The following is an entry in ClinVar:

NM_018294.6(CWF19L1):c.665G>A (p.Arg222Gln)

Gene: CWF19L1 (CWF19 like cell cycle control factor 1; minus strand). Cytogenetic location: 10q24.31.
Variant type: single nucleotide variant.
Coding change: c.665G>A on transcript NM_018294.6 (MANE Select); coding-DNA position 665, G replaced by A.
Protein change: p.Arg222Gln; replaces arginine 222 with glutamine.
Molecular consequence: missense variant. On other transcripts: 5 prime UTR variant (1).
Genome position (GRCh38, 1-based): chr10:100,250,291, C>T on the plus strand (G>A on the coding strand, the complement: CWF19L1 is on the minus strand). VCF-style: chr10-100250291-C-T. GRCh37 (hg19) VCF-style: chr10-102010048-C-T.
Other names: c.665G>A (NM_018294.5); c.665G>A, p.Arg222Gln (NM_001303404.2); c.254G>A, p.Arg85Gln (NM_001303405.2, NM_001303406.2); c.-71G>A (NM_001303407.2); short protein forms R222Q, R85Q.
Identifiers: ClinVar variation 976766 (VCV000976766.4), dbSNP rs772697259, ClinGen allele CA5647108.

ClinVar aggregate classification (germline): Conflicting classifications of pathogenicity. Review status: criteria provided, conflicting classifications (1 of 4 stars). 2 submissions from 2 submitters: Likely pathogenic (1); Uncertain significance (1). Last evaluated 2025-03-11.

Conditions:
Autosomal recessive spinocerebellar ataxia 17. Identifiers: Orphanet 453521, MedGen C4015301, MONDO:0014503, OMIM 616127.

Allele frequency attached by ClinVar (database versions not stated): ExAC 0.00003; gnomAD exomes 0.00003 and 0.00004; TOPMed 0.00004; gnomAD 0.00007 and 0.00008.
gnomAD v4.1: 55 of 1,612,954 alleles (0.0034%); highest among the groups gnomAD compares: Non-Finnish European, 0.0042%; no homozygotes.

Submissions (2):

GeneDx
Classification: Uncertain significance. Last evaluated: 2025-03-11. Review status: criteria provided, single submitter. Criteria: GeneDx Variant Classification Process June 2021. Collection method: clinical testing. Allele origin: germline. Affected: yes.
Comment: Reported in a patient with dystonia onset in infancy who harbored a second CWF19L1 variant in unknown phase (PMID: 33098801); In silico analysis supports that this missense variant has a deleterious effect on protein structure/function; This variant is associated with the following publications: (PMID: 35872528, 33098801)

Institute of Human Genetics Munich, TUM University Hospital
Classification: Likely pathogenic for Autosomal recessive spinocerebellar ataxia 17. Last evaluated: 2020-02-13. Review status: criteria provided, single submitter. Criteria: Classification criteria August 2017. Collection method: clinical testing. Allele origin: paternal. Inheritance: Autosomal recessive inheritance. Affected: yes. Observed: 1 compound heterozygote.